The following is an entry in ClinVar:

ClinVar aggregate classification (germline): Uncertain significance. Review status: criteria provided, multiple submitters, no conflicts (2 of 4 stars). 2 submissions from 2 submitters: Uncertain significance (2). Last evaluated 2020-11-23.

Conditions:
Joubert syndrome. Also called: JOUBERT-BOLTSHAUSER SYNDROME; Familial aplasia of the vermis; CEREBELLOPARENCHYMAL DISORDER IV. Identifiers: Orphanet 475, MedGen C5979921, MONDO:0018772.
Joubert syndrome 3 (JBTS3). Also called: AHI1-related Ciliopathy. Identifiers: Orphanet 220493, MedGen C1837713, MONDO:0012078, OMIM 608629.

Allele frequency attached by ClinVar (database versions not stated): gnomAD exomes 0.00001; ExAC 0.00002.
gnomAD v4.1: 4 of 1,611,110 alleles (0.00025%); highest among the groups gnomAD compares: East Asian, 0.0089%; no homozygotes.

Submissions (2):

Labcorp Genetics (formerly Invitae), Labcorp
Classification: Uncertain significance for Joubert syndrome. Last evaluated: 2020-11-23. Review status: criteria provided, single submitter. Criteria: Invitae Variant Classification Sherloc (09022015). Collection method: clinical testing. Allele origin: germline.
Comment: In summary, the available evidence is currently insufficient to determine the role of this variant in disease. Therefore, it has been classified as a Variant of Uncertain Significance. Advanced modeling of protein sequence and biophysical properties (such as structural, functional, and spatial information, amino acid conservation, physicochemical variation, residue mobility, and thermodynamic stability) performed at Invitae indicates that this missense variant is not expected to disrupt AHI1 protein function. This variant has not been reported in the literature in individuals with AHI1-related conditions. ClinVar contains an entry for this variant (Variation ID: 355510). This variant is present in population databases (rs781286716, ExAC 0.02%). This sequence change replaces isoleucine with methionine at codon 204 of the AHI1 protein (p.Ile204Met). The isoleucine residue is moderately conserved and there is a small physicochemical difference between isoleucine and methionine.

Illumina Laboratory Services, Illumina
Classification: Uncertain significance for Joubert syndrome 3. Last evaluated: 2018-01-13. Review status: criteria provided, single submitter. Criteria: ICSL Variant Classification Criteria 13 December 2019. Collection method: clinical testing. Allele origin: germline.

NM_001134831.2(AHI1):c.612T>G (p.Ile204Met)

Gene: AHI1 (Abelson helper integration site 1; minus strand). Cytogenetic location: 6q23.3.
Variant type: single nucleotide variant.
Coding change: c.612T>G on transcript NM_001134831.2 (MANE Select); coding-DNA position 612, T replaced by G.
Protein change: p.Ile204Met; replaces isoleucine 204 with methionine.
Molecular consequence: missense variant.
Genome position (GRCh38, 1-based): chr6:135,465,951, A>C on the plus strand (T>G on the coding strand, the complement: AHI1 is on the minus strand). VCF-style: chr6-135465951-A-C. GRCh37 (hg19) VCF-style: chr6-135787089-A-C.
Other names: c.612T>G, p.Ile204Met (NM_001134830.2, NM_001134832.2, NM_001350503.2 and 2 more transcripts); short protein forms I204M.
Identifiers: ClinVar variation 355510 (VCV000355510.13), dbSNP rs781286716, ClinGen allele CA4012798.